The following is an entry in ClinVar:

ClinVar aggregate classification (germline): Likely pathogenic (1 of 4 stars; one submission).

Conditions:
Hereditary factor VIII deficiency disease (HEMA). Also called: HEMOPHILIA, CLASSIC; AUTOSOMAL HEMOPHILIA A; Hemophilia A; Hemophilia A, congenital; HEM A; Factor 8 deficiency, congenital. Identifiers: Orphanet 98878, MedGen C0019069, MONDO:0010602, OMIM 306700.

Submission:

Neuberg Centre For Genomic Medicine, NCGM
Classification: Likely pathogenic for Hereditary factor VIII deficiency disease. Review status: criteria provided, single submitter. Criteria: ACMG Guidelines, 2015. Collection method: clinical testing. Allele origin: germline. Inheritance: X-linked recessive inheritance. Affected: yes.
Comment: The stop gained variant c.5297T>Ap.Leu1766Ter in the F8 gene has not been reported previously as a pathogenic variant nor as a benign variant, to our knowledge. The variant is novel not in any individuals in gnomAD Exomes and 1000 Genomes. This variant is predicted to cause loss of normal protein function through protein truncation. Loss of function variants has been previously reported to be disease causing Wang et al., 2022. For these reasons, this variant has been classified as Likely Pathogenic.

NM_000132.4(F8):c.5297T>A (p.Leu1766Ter)

Gene: F8 (coagulation factor VIII; minus strand). Cytogenetic location: Xq28.
Variant type: single nucleotide variant.
Coding change: c.5297T>A on transcript NM_000132.4 (MANE Select); coding-DNA position 5297, T replaced by A.
Protein change: p.Leu1766Ter; replaces leucine 1766 with a stop codon.
Molecular consequence: nonsense.
Genome position (GRCh38, 1-based): chrX:154,906,496, A>T on the plus strand (T>A on the coding strand, the complement: F8 is on the minus strand). VCF-style: chrX-154906496-A-T. GRCh37 (hg19) VCF-style: chrX-154134771-A-T.
Other names: short protein forms L1766*.
Identifiers: ClinVar variation 3236409 (VCV003236409.2), dbSNP rs2523887246, ClinGen allele CA414910899.